The following is an entry in ClinVar:

ClinVar aggregate classification (germline): Conflicting classifications of pathogenicity. Review status: criteria provided, conflicting classifications (1 of 4 stars). 5 submissions from 5 submitters: Uncertain significance (1); Likely benign (3). 1 of the submissions does not count toward it. Last evaluated 2026-01-19.

Conditions:
PEX6-related disorder. Also called: PEX6-related condition; PEX6-related disorders.
Peroxisome biogenesis disorder 4A (Zellweger) (PBD4A). Also called: Zellweger syndrome spectrum (PEX6-related). Identifiers: Orphanet 912, MedGen C3553936, MONDO:0013930, OMIM 614862. Disease mechanism: loss of function.
Peroxisome biogenesis disorder. Identifiers: Orphanet 79189, MedGen C1832200, MONDO:0019234. Disease mechanism: loss of function.

Allele frequency attached by ClinVar (database versions not stated): ExAC 0.00002; gnomAD exomes 0.00002; gnomAD 0.00003 and 0.00004; TOPMed 0.00007; ESP Exome Variant Server 0.00015.
gnomAD v4.1: 37 of 1,613,700 alleles (0.0023%); highest among the groups gnomAD compares: African/African-American, 0.015%; no homozygotes.

Submissions (5):

Labcorp Genetics (formerly Invitae), Labcorp
Classification: Likely benign for Peroxisome biogenesis disorder. Last evaluated: 2026-01-19. Review status: criteria provided, single submitter. Criteria: Invitae Variant Classification Sherloc (09022015). Collection method: clinical testing. Allele origin: germline.

Blueprint Genetics
Classification: Likely benign. Last evaluated: 2024-07-06. Review status: criteria provided, single submitter. Criteria: ACMG Guidelines, 2015. Collection method: clinical testing. Allele origin: germline.

CeGaT Center for Human Genetics Tuebingen
Classification: Likely benign. Last evaluated: 2022-06-01. Review status: criteria provided, single submitter. Criteria: CeGaT Center For Human Genetics Tuebingen Variant Classification Criteria Version 2. Collection method: clinical testing. Allele origin: germline. Affected: yes. Observed: 1 variant allele.
Comment: PEX6: BP4, BP7

Illumina Laboratory Services, Illumina
Classification: Uncertain significance for Peroxisome biogenesis disorder 4A (Zellweger). Last evaluated: 2018-01-12. Review status: criteria provided, single submitter. Criteria: ICSL Variant Classification Criteria 13 December 2019. Collection method: clinical testing. Allele origin: germline.

PreventionGenetics, part of Exact Sciences
Classification: Likely benign for PEX6-related condition. Last evaluated: 2021-06-18. Review status: no assertion criteria provided. Collection method: clinical testing. Allele origin: germline. Not counted in ClinVar's aggregate classification.
Comment: This variant is classified as likely benign based on ACMG/AMP sequence variant interpretation guidelines (Richards et al. 2015 PMID: 25741868, with internal and published modifications).

NM_000287.4(PEX6):c.939T>C (p.Pro313=)

Gene: PEX6 (peroxisomal biogenesis factor 6; minus strand). Cytogenetic location: 6p21.1.
Variant type: single nucleotide variant.
Coding change: c.939T>C on transcript NM_000287.4 (MANE Select); coding-DNA position 939, T replaced by C.
Protein change: p.Pro313=; no amino-acid change (proline 313 retained).
Molecular consequence: synonymous variant. On other transcripts: non-coding transcript variant (1).
Genome position (GRCh38, 1-based): chr6:42,974,982, A>G on the plus strand (T>C on the coding strand, the complement: PEX6 is on the minus strand). VCF-style: chr6-42974982-A-G. GRCh37 (hg19) VCF-style: chr6-42942720-A-G.
Other names: c.675T>C, p.Pro225= (NM_001316313.2).
Identifiers: ClinVar variation 356802 (VCV000356802.39), dbSNP rs151234121, ClinGen allele CA3811506.